The following is an entry in ClinVar:

ClinVar aggregate classification (germline): Uncertain significance (1 of 4 stars; one submission).

gnomAD v4.1: 1 of 1,596,346 alleles (0.000063%); highest among the groups gnomAD compares: Non-Finnish European, 0.000085%; no homozygotes.

Submission:

GeneDx
Classification: Uncertain significance. Last evaluated: 2024-04-27. Review status: criteria provided, single submitter. Criteria: GeneDx Variant Classification Process June 2021. Collection method: clinical testing. Allele origin: germline. Affected: yes.
Comment: Not observed at significant frequency in large population cohorts (gnomAD); In silico analysis supports that this missense variant has a deleterious effect on protein structure/function; Has not been previously published as pathogenic or benign to our knowledge

NM_003931.3(WASF1):c.145G>A (p.Glu49Lys)

Gene: WASF1 (WASP family member 1; minus strand). Cytogenetic location: 6q21.
Variant type: single nucleotide variant.
Coding change: c.145G>A on transcript NM_003931.3 (MANE Select); coding-DNA position 145, G replaced by A.
Protein change: p.Glu49Lys; replaces glutamic acid 49 with lysine.
Molecular consequence: missense variant.
Genome position (GRCh38, 1-based): chr6:110,113,449, C>T on the plus strand (G>A on the coding strand, the complement: WASF1 is on the minus strand). VCF-style: chr6-110113449-C-T. GRCh37 (hg19) VCF-style: chr6-110434652-C-T.
Other names: c.145G>A, p.Glu49Lys (NM_001024934.2, NM_001024935.2, NM_001024936.2); short protein forms E49K.
Identifiers: ClinVar variation 3373096 (VCV003373096.1).